The following is an entry in ClinVar:

ClinVar aggregate classification (germline): Likely benign (1 of 4 stars; one submission).

Allele frequency attached by ClinVar (database versions not stated): gnomAD exomes below 0.00001.
gnomAD v4.1: 1 of 1,149,376 alleles (0.000087%); highest among the groups gnomAD compares: African/African-American, 0.0018%; no homozygotes.

Submission:

GeneDx
Classification: Likely benign. Last evaluated: 2018-05-01. Review status: criteria provided, single submitter. Criteria: GeneDx Variant Classification (06012015). Collection method: clinical testing. Allele origin: germline. Affected: yes.
Comment: This variant is considered likely benign or benign based on one or more of the following criteria: it is a conservative change, it occurs at a poorly conserved position in the protein, it is predicted to be benign by multiple in silico algorithms, and/or has population frequency not consistent with disease.

NM_001278116.2(L1CAM):c.401-12T>C

Gene: L1CAM (L1 cell adhesion molecule; minus strand). Cytogenetic location: Xq28.
Variant type: single nucleotide variant.
Coding change: c.401-12T>C on transcript NM_001278116.2 (MANE Select); 12 bases into the intron before coding-DNA position 401, T replaced by C.
Molecular consequence: intron variant.
Genome position (GRCh38, 1-based): chrX:153,871,191, A>G on the plus strand (T>C on the coding strand, the complement: L1CAM is on the minus strand). VCF-style: chrX-153871191-A-G. GRCh37 (hg19) VCF-style: chrX-153136646-A-G.
Other names: c.386-12T>C (NM_001143963.2); c.401-12T>C (NM_024003.3, NM_000425.5).
Identifiers: ClinVar variation 682510 (VCV000682510.1), dbSNP rs1603276254, ClinGen allele CA915952054.